The following is an entry in ClinVar:

ClinVar aggregate classification (germline): Uncertain significance. Review status: criteria provided, multiple submitters, no conflicts (2 of 4 stars). 3 submissions from 3 submitters: Uncertain significance (3). Last evaluated 2026-04-22.

Conditions:
GARS1-related disorder. Also called: GARS1-related condition.
Charcot-Marie-Tooth disease type 2. Also called: Charcot-Marie-Tooth type 2. Identifiers: Orphanet 64746, MedGen C0270914, MONDO:0018993.

Allele frequency attached by ClinVar (database versions not stated): gnomAD 0.00001; gnomAD exomes 0.00001 and 0.00002; ExAC 0.00002; TOPMed 0.00002.
gnomAD v4.1: 24 of 1,613,808 alleles (0.0015%); highest among the groups gnomAD compares: Non-Finnish European, 0.002%; no homozygotes.

Submissions (3):

PreventionGenetics, part of Exact Sciences
Classification: Uncertain significance for GARS1-related condition. Last evaluated: 2026-04-22. Review status: criteria provided, single submitter. Criteria: ACMG Guidelines, 2015. Collection method: clinical testing. Allele origin: germline.
Comment: The GARS1 c.352A>G variant is predicted to result in the amino acid substitution p.Ile118Val. To our knowledge, this variant has not been reported in the literature. This variant is reported in 0.0026% of alleles in individuals of European (non-Finnish) descent in gnomAD. At this time, the clinical significance of this variant is uncertain due to the absence of conclusive functional and genetic evidence.

Ambry Genetics
Classification: Uncertain significance. Last evaluated: 2025-09-26. Review status: criteria provided, single submitter. Criteria: Ambry Variant Classification Scheme 2023. Collection method: clinical testing. Allele origin: germline.

Labcorp Genetics (formerly Invitae), Labcorp
Classification: Uncertain significance for Charcot-Marie-Tooth disease type 2. Last evaluated: 2023-12-30. Review status: criteria provided, single submitter. Criteria: Invitae Variant Classification Sherloc (09022015). Collection method: clinical testing. Allele origin: germline.
Comment: This sequence change replaces isoleucine, which is neutral and non-polar, with valine, which is neutral and non-polar, at codon 118 of the GARS protein (p.Ile118Val). This variant is present in population databases (rs200025018, gnomAD 0.003%). This variant has not been reported in the literature in individuals affected with GARS-related conditions. ClinVar contains an entry for this variant (Variation ID: 943019). Advanced modeling of protein sequence and biophysical properties (such as structural, functional, and spatial information, amino acid conservation, physicochemical variation, residue mobility, and thermodynamic stability) performed at Invitae indicates that this missense variant is not expected to disrupt GARS protein function with a negative predictive value of 95%. In summary, the available evidence is currently insufficient to determine the role of this variant in disease. Therefore, it has been classified as a Variant of Uncertain Significance.

NM_002047.4(GARS1):c.352A>G (p.Ile118Val)

Gene: GARS1 (glycyl-tRNA synthetase 1; plus strand). Cytogenetic location: 7p14.3.
Variant type: single nucleotide variant.
Coding change: c.352A>G on transcript NM_002047.4 (MANE Select); coding-DNA position 352, A replaced by G.
Protein change: p.Ile118Val; replaces isoleucine 118 with valine.
Molecular consequence: missense variant.
Genome position (GRCh38, 1-based): chr7:30,599,974, A>G. VCF-style: chr7-30599974-A-G. GRCh37 (hg19) VCF-style: chr7-30639590-A-G.
Other names: c.190A>G, p.Ile64Val (NM_001316772.1); c.352A>G (NM_002047.3); short protein forms I64V, I118V.
Identifiers: ClinVar variation 943019 (VCV000943019.11), dbSNP rs200025018, ClinGen allele CA4205685.
Genomic context (GRCh38, chr7:30,599,974, plus strand): 5'-CCACTCACTCACTTTTTATTTAATCTCTAACAGGAGCTGGCGTTACAGCCCAAAGATGAT[A>G]TTGTAGACCGAGCAAAAATGGAAGATACCCTGAAGAGGAGGTTTTTCTATGATCAAGCTT-3'
Protein context (NP_002038.2, residues 108-128): KELALQPKDD[Ile118Val]VDRAKMEDTL